The following is an entry in ClinVar:

NM_001267550.2(TTN):c.10191C>A (p.Asp3397Glu)

Gene: TTN (titin; minus strand). Cytogenetic location: 2q31.2.
Variant type: single nucleotide variant.
Coding change: c.10191C>A on transcript NM_001267550.2 (MANE Select); coding-DNA position 10191, C replaced by A.
Protein change: p.Asp3397Glu; replaces aspartic acid 3397 with glutamic acid.
Molecular consequence: missense variant.
Genome position (GRCh38, 1-based): chr2:178,759,096, G>T on the plus strand (C>A on the coding strand, the complement: TTN is on the minus strand). VCF-style: chr2-178759096-G-T. GRCh37 (hg19) VCF-style: chr2-179623823-G-T.
Other names: c.10191C>A, p.Asp3397Glu (NM_001256850.1, NM_133378.4, NM_133379.5); c.10053C>A, p.Asp3351Glu (NM_003319.4, NM_133432.3, NM_133437.4); short protein forms D3397E, D3351E.
Identifiers: ClinVar variation 332937 (VCV000332937.5), dbSNP rs773862320, ClinGen allele CA2004154.

ClinVar aggregate classification (germline): Conflicting classifications of pathogenicity. Review status: criteria provided, conflicting classifications (1 of 4 stars). 5 submissions from 1 submitter: Uncertain significance (3); Benign (2). Last evaluated 2018-01-13.

Conditions:
Early-onset myopathy with fatal cardiomyopathy (CMYO5). Also called: CONGENITAL MYOPATHY 5 WITH CARDIOMYOPATHY; Salih Myopathy. Identifiers: Orphanet 289377, MedGen C2673677, MONDO:0012714, OMIM 611705. Disease mechanism: loss of function.
Myopathy, myofibrillar, 9, with early respiratory failure (MFM9). Also called: Myopathy, distal, with early respiratory failure, autosomal dominant; Hereditary myopathy with early respiratory failure; EDSTROM MYOPATHY; MYOPATHY, PROXIMAL, WITH EARLY RESPIRATORY MUSCLE INVOLVEMENT. Identifiers: Orphanet 178464, Orphanet 34521, MedGen C1863599, MONDO:0011362, OMIM 603689.
Autosomal recessive limb-girdle muscular dystrophy type 2J (LGMDR10). Also called: MUSCULAR DYSTROPHY, LIMB-GIRDLE, AUTOSOMAL RECESSIVE 10; Limb-girdle muscular dystrophy, type 2J. Identifiers: Orphanet 140922, MedGen C1837342, MONDO:0012127, OMIM 608807.
Tibial muscular dystrophy (TMD). Also called: Udd Distal Myopathy – Tibial Muscular Dystrophy; UDD MYOPATHY; Tibial muscular dystrophy, tardive. Identifiers: Orphanet 609, MedGen C1838244, MONDO:0010870, OMIM 600334.
Dilated cardiomyopathy 1G (CMD1G). Identifiers: Orphanet 154, MedGen C1858763, MONDO:0011400, OMIM 604145.

Allele frequency attached by ClinVar (database versions not stated): gnomAD exomes 0.00001; ExAC 0.00002.
gnomAD v4.1: 9 of 1,613,936 alleles (0.00056%); highest among the groups gnomAD compares: South Asian, 0.0066%; no homozygotes.

Submissions (5):

Illumina Laboratory Services, Illumina
Classification: Benign for Myopathy, myofibrillar, 9, with early respiratory failure. Last evaluated: 2018-01-13. Review status: criteria provided, single submitter. Criteria: ICSL Variant Classification Criteria 13 December 2019. Collection method: clinical testing. Allele origin: germline.
Comment: This variant was observed in the ICSL laboratory as part of a predisposition screen in an ostensibly healthy population. It had not been previously curated by ICSL or reported in the Human Gene Mutation Database (HGMD: prior to June 1st, 2018), and was therefore a candidate for classification through an automated scoring system. Utilizing variant allele frequency, disease prevalence and penetrance estimates, and inheritance mode, an automated score was calculated to assess if this variant is too frequent to cause the disease. Based on the score and internal cut-off values, a variant classified as benign is not then subjected to further curation. The score for this variant resulted in a classification of benign for this disease.

Illumina Laboratory Services, Illumina
Classification: Uncertain significance for Early-onset myopathy with fatal cardiomyopathy. Last evaluated: 2018-01-13. Review status: criteria provided, single submitter. Criteria: ICSL Variant Classification Criteria 13 December 2019. Collection method: clinical testing. Allele origin: germline.

Illumina Laboratory Services, Illumina
Classification: Uncertain significance for Dilated cardiomyopathy 1G. Last evaluated: 2018-01-13. Review status: criteria provided, single submitter. Criteria: ICSL Variant Classification Criteria 13 December 2019. Collection method: clinical testing. Allele origin: germline.

Illumina Laboratory Services, Illumina
Classification: Uncertain significance for Autosomal recessive limb-girdle muscular dystrophy type 2J. Last evaluated: 2018-01-13. Review status: criteria provided, single submitter. Criteria: ICSL Variant Classification Criteria 13 December 2019. Collection method: clinical testing. Allele origin: germline.

Illumina Laboratory Services, Illumina
Classification: Benign for Tibial muscular dystrophy. Last evaluated: 2018-01-13. Review status: criteria provided, single submitter. Criteria: ICSL Variant Classification Criteria 13 December 2019. Collection method: clinical testing. Allele origin: germline.
Comment: the same text as in the submission from Illumina Laboratory Services, Illumina above.